The following is an entry in ClinVar:

ClinVar aggregate classification (germline): Uncertain significance (1 of 4 stars; one submission).

gnomAD v4.1: 1 of 1,613,890 alleles (0.000062%); highest among the groups gnomAD compares: Non-Finnish European, 0.000085%; no homozygotes.

Submission:

Ambry Genetics
Classification: Uncertain significance. Last evaluated: 2025-03-16. Review status: criteria provided, single submitter. Criteria: Ambry Variant Classification Scheme 2023. Collection method: clinical testing. Allele origin: germline.
Comment: The p.P536T variant (also known as c.1606C>A), located in coding exon 13 of the GEN1 gene, results from a C to A substitution at nucleotide position 1606. The proline at codon 536 is replaced by threonine, an amino acid with highly similar properties. This amino acid position is conserved. In addition, this alteration is predicted to be tolerated by in silico analysis. Based on the available evidence, the clinical significance of this variant remains unclear.

NM_001130009.3(GEN1):c.1606C>A (p.Pro536Thr)

Gene: GEN1 (GEN1 Holliday junction 5' flap endonuclease; plus strand). Cytogenetic location: 2p24.2.
Variant type: single nucleotide variant.
Coding change: c.1606C>A on transcript NM_001130009.3 (MANE Select); coding-DNA position 1606, C replaced by A.
Protein change: p.Pro536Thr; replaces proline 536 with threonine.
Molecular consequence: missense variant.
Genome position (GRCh38, 1-based): chr2:17,780,818, C>A. VCF-style: chr2-17780818-C-A. GRCh37 (hg19) VCF-style: chr2-17962085-C-A.
Other names: c.1606C>A, p.Pro536Thr (NM_182625.5); short protein forms P536T.
Identifiers: ClinVar variation 4029149 (VCV004029149.1).